The following is an entry in ClinVar:

ClinVar aggregate classification (germline): Uncertain significance (1 of 4 stars; one submission).

Allele frequency attached by ClinVar (database versions not stated): gnomAD exomes below 0.00001; ExAC 0.00002.
gnomAD v4.1: 1 of 1,614,024 alleles (0.000062%); highest among the groups gnomAD compares: Non-Finnish European, 0.000085%; no homozygotes.

Submission:

Ambry Genetics
Classification: Uncertain significance. Last evaluated: 2024-10-24. Review status: criteria provided, single submitter. Criteria: Ambry Variant Classification Scheme 2023. Collection method: clinical testing. Allele origin: germline.
Comment: The p.L1255V variant (also known as c.3763C>G), located in coding exon 7 of the MLH3 gene, results from a C to G substitution at nucleotide position 3763. The leucine at codon 1255 is replaced by valine, an amino acid with highly similar properties. This amino acid position is conserved. In addition, this alteration is predicted to be tolerated by in silico analysis. Since supporting evidence is limited at this time, the clinical significance of this alteration remains unclear.

NM_001040108.2(MLH3):c.3763C>G (p.Leu1255Val)

Gene: MLH3 (mutL homolog 3; minus strand). Cytogenetic location: 14q24.3.
Variant type: single nucleotide variant.
Coding change: c.3763C>G on transcript NM_001040108.2 (MANE Select); coding-DNA position 3763, C replaced by G.
Protein change: p.Leu1255Val; replaces leucine 1255 with valine.
Molecular consequence: missense variant.
Genome position (GRCh38, 1-based): chr14:75,032,132, G>C on the plus strand (C>G on the coding strand, the complement: MLH3 is on the minus strand). VCF-style: chr14-75032132-G-C. GRCh37 (hg19) VCF-style: chr14-75498835-G-C.
Other names: c.3691C>G, p.Leu1231Val (NM_014381.3); short protein forms L1231V, L1255V.
Identifiers: ClinVar variation 1734699 (VCV001734699.3), dbSNP rs756087550, ClinGen allele CA7275331.
Genomic context (GRCh38, chr14:75,032,132, plus strand): 5'-AGAGTCTCCTTTGTTCCTCTGTCACTGTTATCTCTAGCGGAGGAATTAGAGTAGAAGACA[G>C]TAATTTTTTCCGACCAGAGCCTTGTGCCTGTTGCTTCTCGTAGGAATCTATTGGCAGAAA-3'
Protein context (NP_001035197.1, residues 1245-1265): QAQGSGRKKL[Leu1255Val]SSTLIPPLEI